The following is an entry in ClinVar:

NM_005560.6(LAMA5):c.7867+6C>T

Gene: LAMA5 (laminin subunit alpha 5; minus strand). Cytogenetic location: 20q13.33.
Variant type: single nucleotide variant.
Coding change: c.7867+6C>T on transcript NM_005560.6 (MANE Select); 6 bases into the intron after coding-DNA position 7867, C replaced by T.
Molecular consequence: intron variant.
Genome position (GRCh38, 1-based): chr20:62,315,942, G>A on the plus strand (C>T on the coding strand, the complement: LAMA5 is on the minus strand). VCF-style: chr20-62315942-G-A. GRCh37 (hg19) VCF-style: chr20-60890998-G-A.
Identifiers: ClinVar variation 3044765 (VCV003044765.4), dbSNP rs373360000, ClinGen allele CA9941003.

ClinVar aggregate classification (germline): Likely benign. Review status: criteria provided, single submitter (1 of 4 stars). 2 submissions from 2 submitters: Likely benign (1). 1 of the submissions does not count toward it. Last evaluated 2025-11-24.

Conditions:
LAMA5-related disorder. Also called: LAMA5-Related Disorders; LAMA5-related condition.

Allele frequency attached by ClinVar (database versions not stated): TOPMed 0.00011; 1000 Genomes Project 0.00080; ESP Exome Variant Server 0.00008; gnomAD 0.00013; ExAC 0.00070; 1000 Genomes Project 30x 0.00094.
gnomAD v4.1: 211 of 1,585,112 alleles (0.013%); highest among the groups gnomAD compares: South Asian, 0.18%; 3 homozygotes.

Submissions (2):

Labcorp Genetics (formerly Invitae), Labcorp
Classification: Likely benign. Last evaluated: 2025-11-24. Review status: criteria provided, single submitter. Criteria: Invitae Variant Classification Sherloc (09022015). Collection method: clinical testing. Allele origin: germline.

PreventionGenetics, part of Exact Sciences
Classification: Likely benign for LAMA5-related condition. Last evaluated: 2019-05-28. Review status: no assertion criteria provided. Collection method: clinical testing. Allele origin: germline. Not counted in ClinVar's aggregate classification.
Comment: This variant is classified as likely benign based on ACMG/AMP sequence variant interpretation guidelines (Richards et al. 2015 PMID: 25741868, with internal and published modifications).